The following is an entry in ClinVar:

ClinVar aggregate classification (germline): Uncertain significance (1 of 4 stars; one submission).

Conditions:
Spermatogenic failure 97. Identifiers: MedGen C5975569, MONDO:0975958, OMIM 621057.

Submission:

Juno Genomics, Hangzhou Juno Genomics, Inc
Classification: Uncertain significance for Spermatogenic failure 97. Review status: criteria provided, single submitter. Criteria: ACMG Guidelines, 2015. Collection method: clinical testing. Allele origin: germline.
Comment: Absent from controls (or at extremely low frequency if recessive) in Genome Aggregation Database.;Missense variant in a gene that has a low rate of benign missense variation.

NM_207308.3(NUP210L):c.2666C>G (p.Ser889Cys)

Gene: NUP210L (nucleoporin 210 like; minus strand). Cytogenetic location: 1q21.3.
Variant type: single nucleotide variant.
Coding change: c.2666C>G on transcript NM_207308.3 (MANE Select); coding-DNA position 2666, C replaced by G.
Protein change: p.Ser889Cys; replaces serine 889 with cysteine.
Molecular consequence: missense variant.
Genome position (GRCh38, 1-based): chr1:154,061,024, G>C on the plus strand (C>G on the coding strand, the complement: NUP210L is on the minus strand). VCF-style: chr1-154061024-G-C. GRCh37 (hg19) VCF-style: chr1-154033500-G-C.
Other names: c.2666C>G, p.Ser889Cys (NM_001159484.1); short protein forms S889C.
Identifiers: ClinVar variation 5038008 (VCV005038008.2).
Genomic context (GRCh38, chr1:154,061,024, plus strand): 5'-ATGGTGGCATTCTCAGGCACTACAGTTACATCATCTACCAGGAGCAGTTCCACATCTACA[G>C]ATCTGGGCAAGTTGGAAATTTCCTAGAAATATAATAAGAACCACAAAAGTGAATATAAAC-3'
Protein context (NP_997191.2, residues 879-899): SPKEISNLPR[Ser889Cys]VDVELLLVDD